The following is an entry in ClinVar:

NM_002641.4(PIGA):c.968G>A (p.Ser323Asn)

Gene: PIGA (phosphatidylinositol glycan anchor biosynthesis class A; minus strand). Cytogenetic location: Xp22.2.
Variant type: single nucleotide variant.
Coding change: c.968G>A on transcript NM_002641.4 (MANE Select); coding-DNA position 968, G replaced by A.
Protein change: p.Ser323Asn; replaces serine 323 with asparagine.
Molecular consequence: missense variant. On other transcripts: non-coding transcript variant (2).
Genome position (GRCh38, 1-based): chrX:15,325,033, C>T on the plus strand (G>A on the coding strand, the complement: PIGA is on the minus strand). VCF-style: chrX-15325033-C-T. GRCh37 (hg19) VCF-style: chrX-15343155-C-T.
Other names: c.266G>A, p.Ser89Asn (NM_020473.3); short protein forms S323N, S89N.
Identifiers: ClinVar variation 2662324 (VCV002662324.4), dbSNP rs2519325075, ClinGen allele CA412336377.

ClinVar aggregate classification (germline): Uncertain significance. Review status: criteria provided, multiple submitters, no conflicts (2 of 4 stars). 2 submissions from 2 submitters: Uncertain significance (2). Last evaluated 2026-05-09.

Conditions:
Multiple congenital anomalies-hypotonia-seizures syndrome 2 (MCAHS2). Also called: GLYCOSYLPHOSPHATIDYLINOSITOL BIOSYNTHESIS DEFECT 4; EPILEPTIC ENCEPHALOPATHY, EARLY INFANTILE, 20. Identifiers: Orphanet 300496, MedGen C3275508, MONDO:0010466, OMIM 300868.

Submissions (2):

GeneDx
Classification: Uncertain significance. Last evaluated: 2026-05-09. Review status: criteria provided, single submitter. Criteria: GeneDx Variant Classification Process June 2021. Collection method: clinical testing. Allele origin: germline.
Comment: Not observed at significant frequency in large population cohorts (gnomAD); In silico analysis supports that this missense variant has a deleterious effect on protein structure/function; Has not been previously published as pathogenic or benign to our knowledge

Labcorp Genetics (formerly Invitae), Labcorp
Classification: Uncertain significance for Multiple congenital anomalies-hypotonia-seizures syndrome 2. Last evaluated: 2024-07-01. Review status: criteria provided, single submitter. Criteria: Invitae Variant Classification Sherloc (09022015). Collection method: clinical testing. Allele origin: germline.
Comment: This sequence change replaces serine, which is neutral and polar, with asparagine, which is neutral and polar, at codon 323 of the PIGA protein (p.Ser323Asn). This variant is not present in population databases (gnomAD no frequency). This variant has not been reported in the literature in individuals affected with PIGA-related conditions. ClinVar contains an entry for this variant (Variation ID: 2662324). Advanced modeling of protein sequence and biophysical properties (such as structural, functional, and spatial information, amino acid conservation, physicochemical variation, residue mobility, and thermodynamic stability) has been performed at Invitae for this missense variant, however the output from this modeling did not meet the statistical confidence thresholds required to predict the impact of this variant on PIGA protein function. In summary, the available evidence is currently insufficient to determine the role of this variant in disease. Therefore, it has been classified as a Variant of Uncertain Significance.